The following is an entry in ClinVar:

ClinVar aggregate classification (germline): Uncertain significance. Review status: criteria provided, multiple submitters, no conflicts (2 of 4 stars). 3 submissions from 3 submitters: Uncertain significance (3). Last evaluated 2026-02-04.

Conditions:
Encephalopathy, neonatal severe, with lactic acidosis and brain abnormalities (NELABA). Also called: LIPOYLTRANSFERASE 2 DEFICIENCY; Lipoyl transferase 2 deficiency. Identifiers: Orphanet 447795, MedGen C5681203, MONDO:0060562, OMIM 617668.

Allele frequency attached by ClinVar (database versions not stated): gnomAD exomes 0.00052 and 0.00082; gnomAD 0.00062 and 0.00066; TOPMed 0.00081; ExAC 0.00089.
gnomAD v4.1: 1,186 of 1,455,654 alleles (0.081%); highest among the groups gnomAD compares: Middle Eastern, 0.47%; 1 homozygote.

Submissions (3):

Women's Health and Genetics/Laboratory Corporation of America, LabCorp
Classification: Uncertain significance. Last evaluated: 2026-02-04. Review status: criteria provided, single submitter. Criteria: LabCorp Variant Classification Summary - May 2015. Collection method: clinical testing. Allele origin: germline.
Comment: Variant summary: LIPT2 c.107T>C (p.Ile36Thr) results in a non-conservative amino acid change in the encoded protein sequence. Algorithms developed to predict the effect of missense changes on protein structure and function are either unavailable or do not agree on the potential impact of this missense change. The variant allele was found at a frequency of 0.00052 in 67418 control chromosomes. This frequency is not significantly higher than estimated for disease-causing variants in LIPT2, allowing no conclusion about variant significance. To our knowledge, no occurrence of c.107T>C in individuals affected with LIPT2-related conditions and no experimental evidence demonstrating its impact on protein function have been reported. ClinVar contains an entry for this variant (Variation ID: 1059955). Based on the evidence outlined above, the variant was classified as uncertain significance.

Labcorp Genetics (formerly Invitae), Labcorp
Classification: Uncertain significance. Last evaluated: 2026-01-19. Review status: criteria provided, single submitter. Criteria: Invitae Variant Classification Sherloc (09022015). Collection method: clinical testing. Allele origin: germline.
Comment: This sequence change replaces isoleucine, which is neutral and non-polar, with threonine, which is neutral and polar, at codon 36 of the LIPT2 protein (p.Ile36Thr). This variant is present in population databases (rs543581000, gnomAD 0.1%), and has an allele count higher than expected for a pathogenic variant. This variant has not been reported in the literature in individuals affected with LIPT2-related conditions. ClinVar contains an entry for this variant (Variation ID: 1059955). An algorithm developed to predict the effect of missense changes on protein structure and function outputs the following: PolyPhen-2: "Benign". The threonine amino acid residue is found in multiple mammalian species, which suggests that this missense change does not adversely affect protein function. In summary, the available evidence is currently insufficient to determine the role of this variant in disease. Therefore, it has been classified as a Variant of Uncertain Significance.

Fulgent Genetics
Classification: Uncertain significance for Encephalopathy, neonatal severe, with lactic acidosis and brain abnormalities. Last evaluated: 2024-05-11. Review status: criteria provided, single submitter. Criteria: ACMG Guidelines, 2015. Collection method: clinical testing. Allele origin: germline.

NM_001144869.3(LIPT2):c.107T>C (p.Ile36Thr)

Genes: LIPT2 (lipoyl(octanoyl) transferase 2; minus strand), LIPT2-AS1 (LIPT2 antisense RNA 1; plus strand), LOC130006411 (ATAC-STARR-seq lymphoblastoid silent region 3753; plus strand). Cytogenetic location: 11q13.4.
Variant type: single nucleotide variant.
Coding change: c.107T>C on transcript NM_001144869.3 (MANE Select); coding-DNA position 107, T replaced by C.
Protein change: p.Ile36Thr; replaces isoleucine 36 with threonine.
Molecular consequence: missense variant. On other transcripts: non-coding transcript variant (1).
Genome position (GRCh38, 1-based): chr11:74,493,597, A>G on the plus strand (T>C on the coding strand, the complement: LIPT2 is on the minus strand). VCF-style: chr11-74493597-A-G. GRCh37 (hg19) VCF-style: chr11-74204642-A-G.
Other names: c.107T>C, p.Ile36Thr (NM_001329941.2, NM_001329942.2); short protein forms I36T.
Identifiers: ClinVar variation 1059955 (VCV001059955.8), dbSNP rs543581000, ClinGen allele CA6184934.
Genomic context (GRCh38, chr11:74,493,597, plus strand): 5'-ACGGGCCCCGCGGGCTCGCAGAGCAGGAGCGCGCCCGCCTCAGTCCCCGACGGGGCCTCA[A>G]TGCCTGGCTCGGCCTGCAGCCGCCGCAGCCAGCGGTCCTGCAGCCCCAGTAGCTCGGCGT-3'
Protein context (NP_001138341.1, residues 26-46): WLRRLQAEPG[Ile36Thr]EAPSGTEAGA